The following is an entry in ClinVar:

NM_033305.3(VPS13A):c.6541G>A (p.Val2181Ile)

Gene: VPS13A (vacuolar protein sorting 13 homolog A; plus strand). Cytogenetic location: 9q21.2.
Variant type: single nucleotide variant.
Coding change: c.6541G>A on transcript NM_033305.3 (MANE Select); coding-DNA position 6541, G replaced by A.
Protein change: p.Val2181Ile; replaces valine 2181 with isoleucine.
Molecular consequence: missense variant.
Genome position (GRCh38, 1-based): chr9:77,339,678, G>A. VCF-style: chr9-77339678-G-A. GRCh37 (hg19) VCF-style: chr9-79954594-G-A.
Other names: p.Val2181Ile; c.6424G>A, p.Val2142Ile (NM_001018037.2); c.6541G>A, p.Val2181Ile (NM_001018038.3, NM_015186.4); short protein forms V2142I, V2181I.
Identifiers: ClinVar variation 695722 (VCV000695722.22), dbSNP rs146158125, ClinGen allele CA5093063.

ClinVar aggregate classification (germline): Conflicting classifications of pathogenicity. Review status: criteria provided, conflicting classifications (1 of 4 stars). 8 submissions from 8 submitters: Uncertain significance (1); Likely benign (5). 2 of the submissions do not count toward it. Last evaluated 2026-01-24.

Conditions:
VPS13A-related disorder. Also called: VPS13A-related condition.
VPS13A-related neurodegenerative disease. Also called: LEVINE-CRITCHLEY SYNDROME; Choreaacanthocytosis; VPS13A Disease; Choreoacanthocytosis; Chorea-acanthocytosis; ACANTHOCYTOSIS WITH NEUROLOGIC DISORDER. Identifiers: Orphanet 2388, MedGen C0393576, MONDO:0008695, OMIM 200150.
Inborn genetic diseases. Identifiers: MedGen C0950123, MeSH D030342.

Allele frequency attached by ClinVar (database versions not stated): gnomAD 0.00017 and 0.00019; TOPMed 0.00022; ESP Exome Variant Server 0.00031; gnomAD exomes 0.00033; ExAC 0.00036.
gnomAD v4.1: 326 of 1,613,884 alleles (0.02%); highest among the groups gnomAD compares: Middle Eastern, 0.017%; 1 homozygote.

Submissions (8):

Labcorp Genetics (formerly Invitae), Labcorp
Classification: Likely benign. Last evaluated: 2026-01-24. Review status: criteria provided, single submitter. Criteria: Invitae Variant Classification Sherloc (09022015). Collection method: clinical testing. Allele origin: germline.

Mayo Clinic Laboratories, Mayo Clinic
Classification: Likely benign. Last evaluated: 2025-01-20. Review status: criteria provided, single submitter. Criteria: ACMG Guidelines, 2015. Collection method: clinical testing. Allele origin: germline. Observed: 1 variant allele.
Comment: BS1, BP4_moderate

Blueprint Genetics
Classification: Likely benign. Last evaluated: 2024-04-02. Review status: criteria provided, single submitter. Criteria: ACMG Guidelines, 2015. Collection method: clinical testing. Allele origin: germline.

Women's Health and Genetics/Laboratory Corporation of America, LabCorp
Classification: Uncertain significance. Last evaluated: 2023-10-26. Review status: criteria provided, single submitter. Criteria: LabCorp Variant Classification Summary - May 2015. Collection method: clinical testing. Allele origin: germline.
Comment: Variant summary: VPS13A c.6541G>A (p.Val2181Ile) results in a conservative amino acid change located in the Vacuolar protein sorting-associated protein 13, VPS13 adaptor binding domain (IPR009543) of the encoded protein sequence. Five of five in-silico tools predict a benign effect of the variant on protein function. The variant allele was found at a frequency of 0.00033 in 251296 control chromosomes (gnomAD). This frequency is not significantly higher than estimated for a pathogenic variant in VPS13A causing Choreoacanthocytosis (0.00033 vs 0.0011), allowing no conclusion about variant significance. To our knowledge, no occurrence of c.6541G>A in individuals affected with Choreoacanthocytosis and no experimental evidence demonstrating its impact on protein function have been reported. Three submitters have cited clinical-significance assessments for this variant to ClinVar after 2014, and classified it as likely benign (n=2) or uncertain significance (n=1). Based on the evidence outlined above, the variant was classified as uncertain significance.

Ambry Genetics
Classification: Likely benign for Inborn genetic diseases. Last evaluated: 2022-03-29. Review status: criteria provided, single submitter. Criteria: Ambry Variant Classification Scheme 2023. Collection method: clinical testing. Allele origin: germline.

GeneDx
Classification: Likely benign. Last evaluated: 2021-03-31. Review status: criteria provided, single submitter. Criteria: GeneDx Variant Classification Process June 2021. Collection method: clinical testing. Allele origin: germline. Affected: yes.
Comment: In silico analysis, which includes protein predictors and evolutionary conservation, supports that this variant does not alter protein structure/function; Has not been previously published as pathogenic or benign to our knowledge

Natera, Inc.
Classification: Uncertain significance for Choreaacanthocytosis. Last evaluated: 2020-01-24. Review status: no assertion criteria provided. Collection method: clinical testing. Allele origin: germline. Not counted in ClinVar's aggregate classification.

PreventionGenetics, part of Exact Sciences
Classification: Likely benign for VPS13A-related condition. Last evaluated: 2019-07-30. Review status: no assertion criteria provided. Collection method: clinical testing. Allele origin: germline. Not counted in ClinVar's aggregate classification.
Comment: This variant is classified as likely benign based on ACMG/AMP sequence variant interpretation guidelines (Richards et al. 2015 PMID: 25741868, with internal and published modifications).